The following continues an entry in ClinVar:

NM_002524.5(NRAS):c.35G>A (p.Gly12Asp)

Gene: NRAS. ClinVar aggregate classification (germline): Pathogenic/Likely pathogenic. Pathogenic (13); Likely pathogenic (3). ClinVar aggregate classification (somatic clinical impact): Tier I - Strong. ClinVar aggregate classification (oncogenicity): Oncogenic.

Submissions 19 to 21 of 21:

Lifecell International Pvt. Ltd
Classification: Pathogenic for Autoimmune lymphoproliferative syndrome type 4. Review status: criteria provided, single submitter. Criteria: ACMG Guidelines, 2015. Collection method: clinical testing. Allele origin: germline. Inheritance: Autosomal dominant inheritance. Affected: yes. Observed: 1 heterozygote.
Comment: A Heterozygous Missense variant c.35G>A in Exon 2 of the NRAS gene that results in the amino acid substitution p.Gly12Asp was identified. The observed variant is novel in gnomAD exomes and genomes, respectively. The severity of the impact of this variant on the protein is medium, based on the effect of the protein and REVEL score. Rare Exome Variant Ensemble Learner (REVEL) is an ensembl method for predicting the pathogenicity of missense variants based on a combination of scores from 13 individual tools: MutPred, FATHMM v2.3, VEST 3.0, PolyPhen-2, SIFT, PROVEAN, MutationAssessor, MutationTaster, LRT, GERP++, SiPhy, phyloP, and phastCons. The REVEL score for an individual missense variant can range from 0 to 1, with higher scores reflecting greater likelihood that the variant is disease-causing. ClinVar has also classified this variant as Pathogenic/Likely Pathogenic [Variation ID: 39648]. The observed variation has been previously reported for primary melanoma of the CNS in children [Pedersen M, et.al, 2013]. Published functional studies suggests that the variant promotes oncogenesis/leukemogenesis [Wang et al., 2011]. For these reasons, this variant has been classified as Pathogenic.

OMIM
Classification: Pathogenic for EPIDERMAL NEVUS, SOMATIC. Last evaluated: 2013-12-05. Review status: no assertion criteria provided. Collection method: literature only. Allele origin: somatic. Not counted in ClinVar's aggregate classification.

OMIM
Classification: Pathogenic for JUVENILE MYELOMONOCYTIC LEUKEMIA, SOMATIC. Last evaluated: 2013-12-05. Review status: no assertion criteria provided. Collection method: literature only. Allele origin: somatic. Not counted in ClinVar's aggregate classification.

Literature cited by the submitters: PubMed 21163920 (cited by Center for Virology of Infectious and Tropical Diseases (CVMIT), Mohammed V Military Teaching Hospital and Ambry Genetics); PubMed 33681212 (cited by Genelabs Medical  (pvt) Ltd and Ambry Genetics); PubMed 18372904 (cited by Genelabs Medical  (pvt) Ltd); PubMed 21586752 (cited by Genelabs Medical  (pvt) Ltd and Lifecell International Pvt. Ltd); PubMed 23687087 (cited by Genelabs Medical  (pvt) Ltd); PubMed 26216196 (cited by Genelabs Medical  (pvt) Ltd); PubMed 31413085 (cited by Genelabs Medical  (pvt) Ltd); PubMed 17332249 (cited by 3 submitters); PubMed 19657110 (cited by Genelabs Medical  (pvt) Ltd and Ambry Genetics); PubMed 2674680 (cited by Genelabs Medical  (pvt) Ltd and Ambry Genetics); PubMed 27264674 (cited by Genelabs Medical  (pvt) Ltd); PubMed 27815357 (cited by Genelabs Medical  (pvt) Ltd); PubMed 15517309 (cited by Genelabs Medical  (pvt) Ltd); PubMed 14982869 (cited by Genelabs Medical  (pvt) Ltd); PubMed 22753870 (cited by Genelabs Medical  (pvt) Ltd); PubMed 26090869 (cited by Genelabs Medical  (pvt) Ltd); PubMed 19075190 (cited by Center for Genomic Medicine, Rigshospitalet, Copenhagen University Hospital and Ambry Genetics); PubMed 25252692 (cited by Center for Genomic Medicine, Rigshospitalet, Copenhagen University Hospital); PubMed 28594414 (cited by 4 submitters); PubMed 28098151 (cited by Labcorp Genetics (formerly Invitae), Labcorp); PubMed 12460918 (cited by Ambry Genetics); PubMed 16434492 (cited by Ambry Genetics); PubMed 20736745 (cited by Ambry Genetics); PubMed 21305640 (cited by Ambry Genetics); PubMed 22499344 (cited by Ambry Genetics and OMIM); PubMed 2278970 (cited by Ambry Genetics); PubMed 3122217 (cited by Ambry Genetics); PubMed 23334668 (cited by 3billion); PubMed 24284627 (cited by OMIM).